The following is an entry in ClinVar:

ClinVar aggregate classification (germline): Uncertain significance (1 of 4 stars; one submission).

Allele frequency attached by ClinVar (database versions not stated): gnomAD exomes 0.00001; gnomAD 0.00001; TOPMed below 0.00001.
gnomAD v4.1: 11 of 1,593,354 alleles (0.00069%); highest among the groups gnomAD compares: Non-Finnish European, 0.00094%; no homozygotes.

Submission:

Labcorp Genetics (formerly Invitae), Labcorp
Classification: Uncertain significance. Last evaluated: 2025-07-08. Review status: criteria provided, single submitter. Criteria: Invitae Variant Classification Sherloc (09022015). Collection method: clinical testing. Allele origin: germline.
Comment: This sequence change replaces alanine, which is neutral and non-polar, with valine, which is neutral and non-polar, at codon 860 of the MICAL1 protein (p.Ala860Val). This variant is not present in population databases (gnomAD no frequency). This variant has not been reported in the literature in individuals affected with MICAL1-related conditions. ClinVar contains an entry for this variant (Variation ID: 3013811). An algorithm developed to predict the effect of missense changes on protein structure and function (PolyPhen-2) suggests that this variant is likely to be disruptive. In summary, the available evidence is currently insufficient to determine the role of this variant in disease. Therefore, it has been classified as a Variant of Uncertain Significance.

NM_022765.4(MICAL1):c.2522C>T (p.Ala841Val)

Gene: MICAL1 (microtubule associated monooxygenase, calponin and LIM domain containing 1; minus strand). Cytogenetic location: 6q21.
Variant type: single nucleotide variant.
Coding change: c.2522C>T on transcript NM_022765.4 (MANE Select); coding-DNA position 2522, C replaced by T.
Protein change: p.Ala841Val; replaces alanine 841 with valine.
Molecular consequence: missense variant.
Genome position (GRCh38, 1-based): chr6:109,446,195, G>A on the plus strand (C>T on the coding strand, the complement: MICAL1 is on the minus strand). VCF-style: chr6-109446195-G-A. GRCh37 (hg19) VCF-style: chr6-109767398-G-A.
Other names: c.2264C>T, p.Ala755Val (NM_001159291.2); c.2579C>T, p.Ala860Val (NM_001286613.2); short protein forms A841V, A860V, A755V.
Identifiers: ClinVar variation 3013811 (VCV003013811.3), dbSNP rs867658764, ClinGen allele CA145117249.
Genomic context (GRCh38, chr6:109,446,195, plus strand): 5'-CCTTGAGGGCTCTGGACTGGCAGGCCCCAGCCCACAAAGCTGCTCTCCAGGGCGTGGCGG[G>A]CCAAGGCGGAGCAGCTGCGGGGAGGCTTGGGTGGAGGCTCCATTTCCGGGTCAGGGGTAA-3'
Protein context (NP_073602.3, residues 831-851): PKPPRSCSAL[Ala841Val]RHALESSFVG